The following is an entry in ClinVar:

ClinVar aggregate classification (germline): Conflicting classifications of pathogenicity. Review status: criteria provided, conflicting classifications (1 of 4 stars). 2 submissions from 2 submitters: Uncertain significance (1); Likely benign (1). Last evaluated 2023-03-23.

Conditions:
Hereditary cancer-predisposing syndrome. Also called: Tumor predisposition; Neoplastic Syndromes, Hereditary; Hereditary Cancer Syndrome; Hereditary neoplastic syndrome. Identifiers: Orphanet 140162, MedGen C0027672, MeSH D009386, MONDO:0015356.

Allele frequency attached by ClinVar (database versions not stated): ExAC 0.00001.

Submissions (2):

University of Washington Department of Laboratory Medicine, University of Washington
Classification: Likely benign for Hereditary cancer-predisposing syndrome. Last evaluated: 2023-03-23. Review status: criteria provided, single submitter. Criteria: Dines et al. (Genet Med. 2020). Collection method: curation. Allele origin: germline.
Comment: Missense variant in a coldspot region where missense variants are very unlikely to be pathogenic (PMID:31911673).

BRCA2 exon 11 coldspot. Reclassification based on statistical prior probability.

Quest Diagnostics Nichols Institute San Juan Capistrano
Classification: Uncertain significance. Last evaluated: 2018-10-16. Review status: criteria provided, single submitter. Criteria: Quest Diagnostics criteria. Collection method: clinical testing. Allele origin: germline.

NM_000059.4(BRCA2):c.3665C>G (p.Ala1222Gly)

Gene: BRCA2 (BRCA2 DNA repair associated; plus strand). Cytogenetic location: 13q13.1.
Variant type: single nucleotide variant.
Coding change: c.3665C>G on transcript NM_000059.4 (MANE Select); coding-DNA position 3665, C replaced by G.
Protein change: p.Ala1222Gly; replaces alanine 1222 with glycine.
Molecular consequence: missense variant.
Genome position (GRCh38, 1-based): chr13:32,338,020, C>G. VCF-style: chr13-32338020-C-G. GRCh37 (hg19) VCF-style: chr13-32912157-C-G.
Other names: short protein forms A1222G.
Identifiers: ClinVar variation 801105 (VCV000801105.4), dbSNP rs760071561, ClinGen allele CA6940714.